The following is an entry in ClinVar:

NM_001206979.2(NR1H4):c.654G>A (p.Gln218=)

Gene: NR1H4 (nuclear receptor subfamily 1 group H member 4; plus strand). Cytogenetic location: 12q23.1.
Variant type: single nucleotide variant.
Coding change: c.654G>A on transcript NM_001206979.2 (MANE Select); coding-DNA position 654, G replaced by A.
Protein change: p.Gln218=; no amino-acid change (glutamine 218 retained).
Molecular consequence: synonymous variant. On other transcripts: non-coding transcript variant (1).
Genome position (GRCh38, 1-based): chr12:100,534,945, G>A. VCF-style: chr12-100534945-G-A. GRCh37 (hg19) VCF-style: chr12-100928723-G-A.
Other names: c.654G>A, p.Gln218= (NM_001206977.2); c.501G>A, p.Gln167= (NM_001206978.2); c.672G>A, p.Gln224= (NM_001206992.2); c.684G>A, p.Gln228= (NM_001206993.2); c.642G>A, p.Gln214= (NM_005123.4); c.642G>A (NM_005123.3).
Identifiers: ClinVar variation 2974208 (VCV002974208.5), dbSNP rs778260507, ClinGen allele CA6739294.

ClinVar aggregate classification (germline): Likely benign. Review status: criteria provided, single submitter (1 of 4 stars). 2 submissions from 2 submitters: Likely benign (1). 1 of the submissions does not count toward it. Last evaluated 2023-08-24.

Conditions:
NR1H4-related disorder. Also called: NR1H4-related condition.

Allele frequency attached by ClinVar (database versions not stated): ExAC 0.00001; gnomAD exomes 0.00001; gnomAD 0.00002.
gnomAD v4.1: 16 of 1,614,094 alleles (0.00099%); highest among the groups gnomAD compares: Admixed American, 0.0083%; no homozygotes.

Submissions (2):

Labcorp Genetics (formerly Invitae), Labcorp
Classification: Likely benign. Last evaluated: 2023-08-24. Review status: criteria provided, single submitter. Criteria: Invitae Variant Classification Sherloc (09022015). Collection method: clinical testing. Allele origin: germline.

PreventionGenetics, part of Exact Sciences
Classification: Likely benign for NR1H4-related condition. Last evaluated: 2024-02-22. Review status: no assertion criteria provided. Collection method: clinical testing. Allele origin: germline. Not counted in ClinVar's aggregate classification.
Comment: This variant is classified as likely benign based on ACMG/AMP sequence variant interpretation guidelines (Richards et al. 2015 PMID: 25741868, with internal and published modifications).